The following is an entry in ClinVar:

ClinVar aggregate classification (germline): Benign/Likely benign. Review status: criteria provided, multiple submitters, no conflicts (2 of 4 stars). 9 submissions from 9 submitters: Benign (3); Likely benign (5). 1 of the submissions does not count toward it. Last evaluated 2026-06-01.

Conditions:
FH-related disorder. Also called: FH-related condition; FH-related disorders.
Hereditary cancer-predisposing syndrome. Also called: Tumor predisposition; Hereditary neoplastic syndrome; Hereditary Cancer Syndrome; Neoplastic Syndromes, Hereditary. Identifiers: Orphanet 140162, MedGen C0027672, MeSH D009386, MONDO:0015356.
Hereditary leiomyomatosis and renal cell cancer. Also called: Familial leiomyomatosis; FH tumor predisposition syndrome; MULTIPLE CUTANEOUS AND UTERINE LEIOMYOMATA 1, WITH OR WITHOUT RENAL CELL CARCINOMA; LEIOMYOMA, MULTIPLE CUTANEOUS; Multiple cutaneous leiomyomas; Leiomyoma, hereditary multiple, of skin. Identifiers: Orphanet 523, MedGen C1708350, MONDO:0007888, OMIM 150800, HP:0007437. Disease mechanism: loss of function.

Allele frequency attached by ClinVar (database versions not stated): gnomAD 0.00002; gnomAD exomes 0.00008 and 0.00017; TOPMed 0.00008; ExAC 0.00012.
gnomAD v4.1: 52 of 1,611,762 alleles (0.0032%); highest among the groups gnomAD compares: Admixed American, 0.085%; no homozygotes.

Submissions (9):

CeGaT Center for Human Genetics Tuebingen
Classification: Likely benign. Last evaluated: 2026-06-01. Review status: criteria provided, single submitter. Criteria: CeGaT Center For Human Genetics Tuebingen Variant Classification Criteria Version 2. Collection method: clinical testing. Allele origin: germline. Affected: yes. Observed: 1 variant allele.
Comment: FH: BP4, BP7

Labcorp Genetics (formerly Invitae), Labcorp
Classification: Likely benign. Last evaluated: 2026-01-21. Review status: criteria provided, single submitter. Criteria: Invitae Variant Classification Sherloc (09022015). Collection method: clinical testing. Allele origin: germline.

Myriad Genetics, Inc.
Classification: Benign for Hereditary leiomyomatosis and renal cell cancer. Last evaluated: 2024-10-17. Review status: criteria provided, single submitter. Criteria: Myriad Autosomal Dominant, Autosomal Recessive and X-Linked Classification Criteria (2023). Collection method: clinical testing. Allele origin: unknown.
Comment: This variant is considered benign. This variant is a silent/synonymous amino acid change and it is not expected to impact splicing.

Sema4
Classification: Benign for Hereditary cancer-predisposing syndrome. Last evaluated: 2021-12-23. Review status: criteria provided, single submitter. Criteria: Sema4 Curation Guidelines. Collection method: curation. Allele origin: germline.

Quest Diagnostics Nichols Institute San Juan Capistrano
Classification: Benign. Last evaluated: 2021-05-20. Review status: criteria provided, single submitter. Criteria: Quest Diagnostics criteria. Collection method: clinical testing. Allele origin: unknown.

Ambry Genetics
Classification: Likely benign for Hereditary cancer-predisposing syndrome. Last evaluated: 2020-01-16. Review status: criteria provided, single submitter. Criteria: Ambry Variant Classification Scheme 2023. Collection method: clinical testing. Allele origin: germline.

Genetic Services Laboratory, University of Chicago
Classification: Likely benign. Last evaluated: 2019-04-05. Review status: criteria provided, single submitter. Criteria: ACMG Guidelines, 2015. Collection method: clinical testing. Allele origin: germline. Affected: no.

GeneDx
Classification: Likely benign. Last evaluated: 2019-01-22. Review status: criteria provided, single submitter. Criteria: GeneDx Variant Classification Process June 2021. Collection method: clinical testing. Allele origin: germline. Affected: yes.

PreventionGenetics, part of Exact Sciences
Classification: Likely benign for FH-related condition. Last evaluated: 2021-07-30. Review status: no assertion criteria provided. Collection method: clinical testing. Allele origin: germline. Not counted in ClinVar's aggregate classification.
Comment: This variant is classified as likely benign based on ACMG/AMP sequence variant interpretation guidelines (Richards et al. 2015 PMID: 25741868, with internal and published modifications).

NM_000143.4(FH):c.270C>T (p.Thr90=)

Gene: FH (fumarate hydratase; minus strand). Cytogenetic location: 1q43.
Variant type: single nucleotide variant.
Coding change: c.270C>T on transcript NM_000143.4 (MANE Select); coding-DNA position 270, C replaced by T.
Protein change: p.Thr90=; no amino-acid change (threonine 90 retained).
Molecular consequence: synonymous variant.
Genome position (GRCh38, 1-based): chr1:241,513,711, G>A on the plus strand (C>T on the coding strand, the complement: FH is on the minus strand). VCF-style: chr1-241513711-G-A. GRCh37 (hg19) VCF-style: chr1-241677011-G-A.
Identifiers: ClinVar variation 413610 (VCV000413610.26), dbSNP rs748852152, ClinGen allele CA1478720.